The following is an entry in ClinVar:

ClinVar aggregate classification (germline): Uncertain significance (1 of 4 stars; one submission).

Conditions:
Bardet-Biedl syndrome (BBS). Identifiers: Orphanet 110, MedGen C0752166, MONDO:0015229.

Allele frequency attached by ClinVar (database versions not stated): gnomAD exomes below 0.00001.
gnomAD v4.1: 1 of 1,614,222 alleles (0.000062%); highest among the groups gnomAD compares: Non-Finnish European, 0.000085%; no homozygotes.

Submission:

Labcorp Genetics (formerly Invitae), Labcorp
Classification: Uncertain significance for Bardet-Biedl syndrome. Last evaluated: 2025-06-12. Review status: criteria provided, single submitter. Criteria: Invitae Variant Classification Sherloc (09022015). Collection method: clinical testing. Allele origin: germline.
Comment: This sequence change replaces threonine, which is neutral and polar, with isoleucine, which is neutral and non-polar, at codon 81 of the TRIM32 protein (p.Thr81Ile). This variant is not present in population databases (gnomAD no frequency). This variant has not been reported in the literature in individuals affected with TRIM32-related conditions. ClinVar contains an entry for this variant (Variation ID: 2900160). An algorithm developed to predict the effect of missense changes on protein structure and function (PolyPhen-2) suggests that this variant is likely to be disruptive. In summary, the available evidence is currently insufficient to determine the role of this variant in disease. Therefore, it has been classified as a Variant of Uncertain Significance.

NM_012210.4(TRIM32):c.242C>T (p.Thr81Ile)

Genes: ASTN2 (astrotactin 2; minus strand), TRIM32 (tripartite motif containing 32; plus strand). Cytogenetic location: 9q33.1.
Variant type: single nucleotide variant.
Coding change: c.242C>T on transcript NM_012210.4 (MANE Select); coding-DNA position 242, C replaced by T.
Protein change: p.Thr81Ile; replaces threonine 81 with isoleucine.
Molecular consequence: missense variant. On other transcripts: intron variant (3).
Genome position (GRCh38, 1-based): chr9:116,697,984, C>T. VCF-style: chr9-116697984-C-T. GRCh37 (hg19) VCF-style: chr9-119460263-C-T.
Other names: c.242C>T, p.Thr81Ile (NM_001099679.2, NM_001379048.1, NM_001379049.1 and 1 more transcripts); c.2653+27787G>A (NM_014010.5); c.2794+27787G>A (NM_001365069.1); c.2806+27787G>A (NM_001365068.1); short protein forms T81I.
Identifiers: ClinVar variation 2900160 (VCV002900160.3), dbSNP rs2491057595, ClinGen allele CA374647868.